The following is an entry in ClinVar:

ClinVar aggregate classification (germline): Uncertain significance (1 of 4 stars; one submission).

Submission:

Labcorp Genetics (formerly Invitae), Labcorp
Classification: Uncertain significance. Last evaluated: 2022-09-16. Review status: criteria provided, single submitter. Criteria: Invitae Variant Classification Sherloc (09022015). Collection method: clinical testing. Allele origin: unknown.
Comment: This variant has not been reported in the literature in individuals affected with RBPJ-related conditions. In summary, the available evidence is currently insufficient to determine the role of this variant in disease. Therefore, it has been classified as a Variant of Uncertain Significance. A copy number gain of the genomic region encompassing the full coding sequence of the RBPJ gene has been identified. The boundaries of this event are unknown as they extend beyond the assayed region for this gene and therefore may encompass additional genes. As the precise location of this event is unknown, it may be in tandem or it may be located elsewhere in the genome.

NC_000004.11:g.(?_25125553)_(26492222_?)dup

Genes: ANAPC4 (anaphase promoting complex subunit 4; plus strand), CCKAR (cholecystokinin A receptor; minus strand), PI4K2B (phosphatidylinositol 4-kinase type 2 beta; plus strand), RBPJ (recombination signal binding protein for immunoglobulin kappa J region; plus strand), SEL1L3 (SEL1L family member 3; minus strand) and 4 more. Cytogenetic location: 4p15.2.
Variant type: Duplication.
Identifiers: ClinVar variation 3246737 (VCV003246737.1).